The following is an entry in ClinVar:

ClinVar aggregate classification (germline): Pathogenic (0 of 4 stars; one submission).

Submission:

Cytogenetics Laboratory, University of Washington
Classification: Pathogenic. Last evaluated: 2015-04-03. Review status: no assertion criteria provided. Collection method: clinical testing. Allele origin: maternal. Affected: yes. Observed: 2 variant alleles.

Literature cited by the submitters: PubMed 23533028; PubMed 23495017; PubMed 22617343; PubMed 24680031; PubMed 18945720; PubMed 23472757; PubMed 23294455.

GRCh37/hg19 2p16.3(chr2:51005771-51246088)x1

Gene: NRXN1 (neurexin 1; minus strand). Cytogenetic location: 2p16.3.
Variant type: copy number loss.
Change: copy number 1 (one copy instead of two) of chr2:51,005,771-51,246,088 (240.3 kb, GRCh37 coordinates, 1-based), cytogenetic band 2p16.3.
Identifiers: ClinVar variation 202224 (VCV000202224.4).